The following is an entry in ClinVar:

ClinVar aggregate classification (germline): Uncertain significance (1 of 4 stars; one submission).

Conditions:
Familial sleep-related hypermotor epilepsy. Also called: Autosomal Dominant Sleep-Related Hypermotor (Hyperkinetic) Epilepsy. Identifiers: Orphanet 98784, MedGen C3696898, MONDO:0000030.

Allele frequency attached by ClinVar (database versions not stated): gnomAD exomes below 0.00001; TOPMed below 0.00001.
gnomAD v4.1: 1 of 1,613,468 alleles (0.000062%); highest among the groups gnomAD compares: Non-Finnish European, 0.000085%; no homozygotes.

Submission:

Labcorp Genetics (formerly Invitae), Labcorp
Classification: Uncertain significance. Last evaluated: 2025-02-12. Review status: criteria provided, single submitter. Criteria: Invitae Variant Classification Sherloc (09022015). Collection method: clinical testing. Allele origin: germline.
Comment: This sequence change replaces lysine, which is basic and polar, with arginine, which is basic and polar, at codon 140 of the CHRNA4 protein (p.Lys140Arg). This variant is not present in population databases (gnomAD no frequency). This missense change has been observed in individual(s) with frontal lobe epilepsy (PMID: 32086284). ClinVar contains an entry for this variant (Variation ID: 2742286). Invitae Evidence Modeling of protein sequence and biophysical properties (such as structural, functional, and spatial information, amino acid conservation, physicochemical variation, residue mobility, and thermodynamic stability) has been performed for this missense variant. However, the output from this modeling did not meet the statistical confidence thresholds required to predict the impact of this variant on CHRNA4 protein function. In summary, the available evidence is currently insufficient to determine the role of this variant in disease. Therefore, it has been classified as a Variant of Uncertain Significance.

Literature cited by the submitters: PubMed 32086284.

NM_000744.7(CHRNA4):c.419A>G (p.Lys140Arg)

Gene: CHRNA4 (cholinergic receptor nicotinic alpha 4 subunit; minus strand). Cytogenetic location: 20q13.33.
Variant type: single nucleotide variant.
Coding change: c.419A>G on transcript NM_000744.7 (MANE Select); coding-DNA position 419, A replaced by G.
Protein change: p.Lys140Arg; replaces lysine 140 with arginine.
Molecular consequence: missense variant. On other transcripts: 5 prime UTR variant (1), non-coding transcript variant (1).
Genome position (GRCh38, 1-based): chr20:63,350,992, T>C on the plus strand (A>G on the coding strand, the complement: CHRNA4 is on the minus strand). VCF-style: chr20-63350992-T-C. GRCh37 (hg19) VCF-style: chr20-61982344-T-C.
Other names: c.-110A>G (NM_001256573.2); short protein forms K140R.
Identifiers: ClinVar variation 2742286 (VCV002742286.3), dbSNP rs1891102370, ClinGen allele CA409638797.